The following is an entry in ClinVar:

ClinVar aggregate classification (germline): Conflicting classifications of pathogenicity. Review status: criteria provided, conflicting classifications (1 of 4 stars). 3 submissions from 3 submitters: Uncertain significance (2); Likely benign (1). Last evaluated 2025-12-09.

Conditions:
BAP1-related tumor predisposition syndrome (TPDS1). Also called: Tumor susceptibility linked to germline BAP1 mutations; BAP1 tumor predisposition syndrome; COMMON Syndrome; TUMOR PREDISPOSITION SYNDROME 1. Identifiers: Orphanet 289539, MedGen C3280492, MONDO:0013692, OMIM 614327.
Hereditary cancer-predisposing syndrome. Also called: Hereditary Cancer Syndrome; Neoplastic Syndromes, Hereditary; Tumor predisposition; Hereditary neoplastic syndrome. Identifiers: Orphanet 140162, MedGen C0027672, MeSH D009386, MONDO:0015356.

Submissions (3):

Ambry Genetics
Classification: Likely benign for Hereditary cancer-predisposing syndrome. Last evaluated: 2025-12-09. Review status: criteria provided, single submitter. Criteria: Ambry Variant Classification Scheme 2023. Collection method: clinical testing. Allele origin: germline.

Labcorp Genetics (formerly Invitae), Labcorp
Classification: Uncertain significance for BAP1-related tumor predisposition syndrome. Last evaluated: 2024-10-26. Review status: criteria provided, single submitter. Criteria: Invitae Variant Classification Sherloc (09022015). Collection method: clinical testing. Allele origin: germline.
Comment: This sequence change replaces glycine, which is neutral and non-polar, with alanine, which is neutral and non-polar, at codon 554 of the BAP1 protein (p.Gly554Ala). This variant is not present in population databases (gnomAD no frequency). This variant has not been reported in the literature in individuals affected with BAP1-related conditions. ClinVar contains an entry for this variant (Variation ID: 490802). Invitae Evidence Modeling of protein sequence and biophysical properties (such as structural, functional, and spatial information, amino acid conservation, physicochemical variation, residue mobility, and thermodynamic stability) indicates that this missense variant is not expected to disrupt BAP1 protein function with a negative predictive value of 80%. In summary, the available evidence is currently insufficient to determine the role of this variant in disease. Therefore, it has been classified as a Variant of Uncertain Significance.

Color Diagnostics, LLC DBA Color Health
Classification: Uncertain significance for Hereditary cancer-predisposing syndrome. Last evaluated: 2019-02-28. Review status: criteria provided, single submitter. Criteria: ACMG Guidelines, 2015. Collection method: clinical testing. Allele origin: germline.

Literature cited by the submitters: PubMed 38969833 (cited by Ambry Genetics).

NM_004656.4(BAP1):c.1661G>C (p.Gly554Ala)

Gene: BAP1 (BRCA1 associated deubiquitinase 1; minus strand). Cytogenetic location: 3p21.1.
Variant type: single nucleotide variant.
Coding change: c.1661G>C on transcript NM_004656.4 (MANE Select); coding-DNA position 1661, G replaced by C.
Protein change: p.Gly554Ala; replaces glycine 554 with alanine.
Molecular consequence: missense variant.
Genome position (GRCh38, 1-based): chr3:52,403,484, C>G on the plus strand (G>C on the coding strand, the complement: BAP1 is on the minus strand). VCF-style: chr3-52403484-C-G. GRCh37 (hg19) VCF-style: chr3-52437500-C-G.
Other names: short protein forms G554A.
Identifiers: ClinVar variation 490802 (VCV000490802.12), dbSNP rs1284389116, ClinGen allele CA353100056.